The following is an entry in ClinVar:

ClinVar aggregate classification (germline): Pathogenic (1 of 4 stars; one submission).

Conditions:
Chromosome 2q32-q33 deletion syndrome (GLASS). Also called: Glass syndrome; 2q33.1 deletion syndrome. Identifiers: Orphanet 251019, MedGen C2676739, MONDO:0012864, OMIM 612313.

Submission:

Institute of Human Genetics, University of Leipzig Medical Center
Classification: Pathogenic for Chromosome 2q32-q33 deletion syndrome. Last evaluated: 2024-12-16. Review status: criteria provided, single submitter. Criteria: ACMG Guidelines, 2015. Collection method: clinical testing. Allele origin: unknown. Inheritance: Autosomal dominant inheritance. Affected: yes.
Comment: Criteria applied: PVS1,PM2

NM_001172509.2(SATB2):c.1600del (p.Leu534fs)

Gene: SATB2 (SATB homeobox 2; minus strand). Cytogenetic location: 2q33.1.
Variant type: Deletion.
Coding change: c.1600del on transcript NM_001172509.2 (MANE Select); coding-DNA position 1600, one base deleted (C; older notation c.1600delC).
Protein change: p.Leu534fs; shifts the reading frame from leucine 534.
Molecular consequence: frameshift variant.
Genome position (GRCh38, 1-based): chr2:199,308,900, G deleted on the plus strand (C on the coding strand, the reverse complement: SATB2 is on the minus strand); the first of 3 consecutive G bases (chr2:199,308,900-199,308,902); deleting any one gives the same sequence. VCF-style (leftmost placement, unchanged base first): chr2-199308899-AG-A. GRCh37 (hg19) VCF-style: chr2-200173622-AG-A.
Other names: c.1600del, p.Leu534fs (NM_001172517.1, NM_015265.4); short protein forms L534fs.
Identifiers: ClinVar variation 3572890 (VCV003572890.2).